The following is an entry in ClinVar:

NM_014844.5(TECPR2):c.2761G>A (p.Val921Met)

Gene: TECPR2 (tectonin beta-propeller repeat containing 2; plus strand). Cytogenetic location: 14q32.31.
Variant type: single nucleotide variant.
Coding change: c.2761G>A on transcript NM_014844.5 (MANE Select); coding-DNA position 2761, G replaced by A.
Protein change: p.Val921Met; replaces valine 921 with methionine.
Molecular consequence: missense variant.
Genome position (GRCh38, 1-based): chr14:102,443,655, G>A. VCF-style: chr14-102443655-G-A. GRCh37 (hg19) VCF-style: chr14-102909992-G-A.
Other names: c.2761G>A, p.Val921Met (NM_001172631.3); short protein forms V921M.
Identifiers: ClinVar variation 971316 (VCV000971316.14), dbSNP rs760730551, ClinGen allele CA7358049.

ClinVar aggregate classification (germline): Uncertain significance. Review status: criteria provided, multiple submitters, no conflicts (2 of 4 stars). 5 submissions from 5 submitters: Uncertain significance (4). 1 of the submissions does not count toward it. Last evaluated 2024-03-26.

Conditions:
Inborn genetic diseases. Identifiers: MedGen C0950123, MeSH D030342.
Hereditary spastic paraplegia 49 (HSAN9). Also called: Spastic paraplegia 49, autosomal recessive; NEUROPATHY, HEREDITARY SENSORY AND AUTONOMIC, TYPE IX, WITH DEVELOPMENTAL DELAY; TECPR2-Related Hereditary Sensory and Autonomic Neuropathy with Intellectual Disability. Identifiers: Orphanet 320385, MedGen C5190860, MONDO:0014016, OMIM 615031.

Allele frequency attached by ClinVar (database versions not stated): TOPMed 0.00013; ExAC 0.00004; gnomAD 0.00005 and 0.00006.
gnomAD v4.1: 60 of 1,586,962 alleles (0.0038%); highest among the groups gnomAD compares: East Asian, 0.018%; no homozygotes.

Submissions (5):

GeneDx
Classification: Uncertain significance. Last evaluated: 2024-03-26. Review status: criteria provided, single submitter. Criteria: GeneDx Variant Classification Process June 2021. Collection method: clinical testing. Allele origin: germline. Affected: yes.
Comment: In silico analysis supports that this missense variant does not alter protein structure/function; Has not been previously published as pathogenic or benign to our knowledge

Ambry Genetics
Classification: Uncertain significance for Inborn genetic diseases. Last evaluated: 2023-05-30. Review status: criteria provided, single submitter. Criteria: Ambry Variant Classification Scheme 2023. Collection method: clinical testing. Allele origin: germline.

Labcorp Genetics (formerly Invitae), Labcorp
Classification: Uncertain significance for Hereditary spastic paraplegia 49. Last evaluated: 2021-09-09. Review status: criteria provided, single submitter. Criteria: Invitae Variant Classification Sherloc (09022015). Collection method: clinical testing. Allele origin: germline.
Comment: This sequence change replaces valine with methionine at codon 921 of the TECPR2 protein (p.Val921Met). The valine residue is moderately conserved and there is a small physicochemical difference between valine and methionine. This variant is present in population databases (rs760730551, ExAC 0.02%). This variant has not been reported in the literature in individuals affected with TECPR2-related conditions. Algorithms developed to predict the effect of missense changes on protein structure and function are either unavailable or do not agree on the potential impact of this missense change (SIFT: "Deleterious"; PolyPhen-2: "Benign"; Align-GVGD: "Class C0"). In summary, the available evidence is currently insufficient to determine the role of this variant in disease. Therefore, it has been classified as a Variant of Uncertain Significance.

Mayo Clinic Laboratories, Mayo Clinic
Classification: Uncertain significance. Last evaluated: 2020-02-12. Review status: criteria provided, single submitter. Criteria: ACMG Guidelines, 2015. Collection method: clinical testing. Allele origin: germline. Observed: 1 variant allele.

Natera, Inc.
Classification: Uncertain significance for Autosomal recessive spastic paraplegia type 49. Last evaluated: 2020-02-21. Review status: no assertion criteria provided. Collection method: clinical testing. Allele origin: germline. Not counted in ClinVar's aggregate classification.